The following is an entry in ClinVar:

ClinVar aggregate classification (germline): Uncertain significance (1 of 4 stars; one submission).

Conditions:
COL11A2-related disorder. Also called: COL11A2-related disorders; COL11A2-related condition.

Submission:

PreventionGenetics, part of Exact Sciences
Classification: Uncertain significance for COL11A2-related condition. Last evaluated: 2025-02-27. Review status: criteria provided, single submitter. Criteria: ACMG Guidelines, 2015. Collection method: clinical testing. Allele origin: germline.
Comment: The COL11A2 c.2200_2208del9 variant is predicted to result in an in-frame deletion (p.His734_Gly736del). To our knowledge, this variant has not been reported in the literature or in a large population database (gnomAD), indicating this variant is rare. This variant affects a glycine residue of the conserved Gly-Xaa-Yaa triple helical domain where substitutions of a glycine are usually pathogenic (Vuristo et al. 1995. PubMed ID: 7559422; Chen et al. 2005. PubMed ID: 16033917). Although we suspect that this variant may be pathogenic, at this time, the clinical significance of this variant is uncertain due to the absence of conclusive functional and genetic evidence.

NM_080680.3(COL11A2):c.2200_2208del (p.His734_Gly736del)

Gene: COL11A2 (collagen type XI alpha 2 chain; minus strand). Cytogenetic location: 6p21.32.
Variant type: Deletion.
Coding change: c.2200_2208del on transcript NM_080680.3 (MANE Select); coding-DNA positions 2200 to 2208, 9 bases deleted (CATAAGGGT; older notation c.2200_2208delCATAAGGGT).
Protein change: p.His734_Gly736del.
Molecular consequence: inframe deletion.
Genome position (GRCh38, 1-based): chr6:33,176,265-33,176,273, ACCCTTATG deleted on the plus strand (CATAAGGGT on the coding strand, the reverse complement: COL11A2 is on the minus strand); deleting any 9 consecutive bases within chr6:33,176,265-33,176,279 gives the same sequence; the c. name uses the placement nearest the transcript's 3' end. VCF-style (leftmost placement, unchanged base first): chr6-33176264-CACCCTTATG-C. GRCh37 (hg19) VCF-style: chr6-33144041-CACCCTTATG-C.
Other names: c.2020_2028del, p.His674_Gly676del (NM_001424108.1); c.1354_1362del, p.His452_Gly454del (NM_001424109.1); c.1174_1182del, p.His392_Gly394del (NM_001424110.1, NM_001424111.1); c.154_162del, p.His52_Gly54del (NM_001424112.1); c.1879_1887del, p.His627_Gly629del (NM_080679.3); c.1942_1950del, p.His648_Gly650del (NM_080681.3).
Identifiers: ClinVar variation 4978022 (VCV004978022.1).
Genomic context (GRCh38, chr6:33,176,264, plus strand): 5'-GAAGAGAGGAGATGGCAGGACTGAGGTGCTGGGAAGCTGGGGGCATGGTGCTCACCTTCT[CACCCTTATG>C]ACCCTTCAGACCCCGAATTCCGTCCACACCCTAGAATTAGAGAGGGGATAGAAGTAGACT-3'